The following is an entry in ClinVar:

ClinVar aggregate classification (germline): Uncertain significance. Review status: criteria provided, multiple submitters, no conflicts (2 of 4 stars). 2 submissions from 2 submitters: Uncertain significance (2). Last evaluated 2026-07-06.

Conditions:
Hereditary cancer-predisposing syndrome. Also called: Hereditary Cancer Syndrome; Tumor predisposition; Hereditary neoplastic syndrome; Neoplastic Syndromes, Hereditary. Identifiers: Orphanet 140162, MedGen C0027672, MeSH D009386, MONDO:0015356.
Familial cancer of breast. Also called: Hereditary breast cancer; hereditary breast carcinoma; BREAST CANCER, FAMILIAL. Identifiers: Orphanet 227535, MedGen C0346153, MONDO:0016419, OMIM 114480. Disease mechanism: loss of function.

Submissions (2):

Ambry Genetics
Classification: Uncertain significance for Hereditary cancer-predisposing syndrome. Last evaluated: 2026-07-06. Review status: criteria provided, single submitter. Criteria: Ambry Variant Classification Scheme 2023. Collection method: clinical testing. Allele origin: germline.
Comment: The p.L390V variant (also known as c.1168C>G), located in coding exon 4 of the BARD1 gene, results from a C to G substitution at nucleotide position 1168. The leucine at codon 390 is replaced by valine, an amino acid with highly similar properties. This amino acid position is conserved. In addition, this alteration is predicted to be tolerated by in silico analysis. Based on the available evidence, the clinical significance of this variant remains unclear.

Labcorp Genetics (formerly Invitae), Labcorp
Classification: Uncertain significance for Familial cancer of breast. Last evaluated: 2022-07-25. Review status: criteria provided, single submitter. Criteria: Invitae Variant Classification Sherloc (09022015). Collection method: clinical testing. Allele origin: germline.
Comment: This variant is not present in population databases (gnomAD no frequency). In summary, the available evidence is currently insufficient to determine the role of this variant in disease. Therefore, it has been classified as a Variant of Uncertain Significance. Algorithms developed to predict the effect of missense changes on protein structure and function (SIFT, PolyPhen-2, Align-GVGD) all suggest that this variant is likely to be tolerated. ClinVar contains an entry for this variant (Variation ID: 530129). This variant has not been reported in the literature in individuals affected with BARD1-related conditions. This sequence change replaces leucine, which is neutral and non-polar, with valine, which is neutral and non-polar, at codon 390 of the BARD1 protein (p.Leu390Val).

NM_000465.4(BARD1):c.1168C>G (p.Leu390Val)

Gene: BARD1 (BRCA1 associated RING domain 1; minus strand). Cytogenetic location: 2q35.
Variant type: single nucleotide variant.
Coding change: c.1168C>G on transcript NM_000465.4 (MANE Select); coding-DNA position 1168, C replaced by G.
Protein change: p.Leu390Val; replaces leucine 390 with valine.
Molecular consequence: missense variant. On other transcripts: non-coding transcript variant (2), intron variant (3).
Genome position (GRCh38, 1-based): chr2:214,780,706, G>C on the plus strand (C>G on the coding strand, the complement: BARD1 is on the minus strand). VCF-style: chr2-214780706-G-C. GRCh37 (hg19) VCF-style: chr2-215645430-G-C.
Other names: c.1168C>G (NM_000465.2); c.1111C>G, p.Leu371Val (NM_001282543.2); c.159-28151C>G (NM_001282548.2); c.215+16355C>G (NM_001282545.2); c.364+11591C>G (NM_001282549.2); short protein forms L390V, L371V.
Identifiers: ClinVar variation 530129 (VCV000530129.10), dbSNP rs774439137, ClinGen allele CA350453884.
Genomic context (GRCh38, chr2:214,780,706, plus strand): 5'-TAGACATCACTCGCCTGTAACTTGAACTACTTAATGTAGAAGGTGGTGTACCTGGTGAAA[G>C]ACTAATGAATTCATCGGACATGTTACTGTTTTTCCTCCCTGATGTACCACCAACTTTACG-3'
Protein context (NP_000456.2, residues 380-400): NSNMSDEFIS[Leu390Val]SPGTPPSTLS